The following is an entry in ClinVar:

NM_145691.4(ATPAF2):c.173G>A (p.Gly58Asp)

Gene: ATPAF2 (ATP synthase mitochondrial F1 complex assembly factor 2; minus strand). Cytogenetic location: 17p11.2.
Variant type: single nucleotide variant.
Coding change: c.173G>A on transcript NM_145691.4 (MANE Select); coding-DNA position 173, G replaced by A.
Protein change: p.Gly58Asp; replaces glycine 58 with aspartic acid.
Molecular consequence: missense variant.
Genome position (GRCh38, 1-based): chr17:18,028,620, C>T on the plus strand (G>A on the coding strand, the complement: ATPAF2 is on the minus strand). VCF-style: chr17-18028620-C-T. GRCh37 (hg19) VCF-style: chr17-17931934-C-T.
Other names: short protein forms G58D.
Identifiers: ClinVar variation 4744778 (VCV004744778.1).

ClinVar aggregate classification (germline): Uncertain significance (1 of 4 stars; one submission).

gnomAD v4.1: 2 of 1,611,878 alleles (0.00012%); highest among the groups gnomAD compares: African/African-American, 0.0013%; no homozygotes.

Submission:

Labcorp Genetics (formerly Invitae), Labcorp
Classification: Uncertain significance. Last evaluated: 2025-02-13. Review status: criteria provided, single submitter. Criteria: Invitae Variant Classification Sherloc (09022015). Collection method: clinical testing. Allele origin: germline.
Comment: This sequence change replaces glycine, which is neutral and non-polar, with aspartic acid, which is acidic and polar, at codon 58 of the ATPAF2 protein (p.Gly58Asp). This variant is present in population databases (no rsID available, gnomAD 0.007%). This variant has not been reported in the literature in individuals affected with ATPAF2-related conditions. Invitae Evidence Modeling of protein sequence and biophysical properties (such as structural, functional, and spatial information, amino acid conservation, physicochemical variation, residue mobility, and thermodynamic stability) indicates that this missense variant is not expected to disrupt ATPAF2 protein function with a negative predictive value of 80%. In summary, the available evidence is currently insufficient to determine the role of this variant in disease. Therefore, it has been classified as a Variant of Uncertain Significance.